The following is an entry in ClinVar:

NM_000051.4(ATM):c.1149T>C (p.Pro383=)

Gene: ATM (ATM serine/threonine kinase; plus strand). Cytogenetic location: 11q22.3.
Variant type: single nucleotide variant.
Coding change: c.1149T>C on transcript NM_000051.4 (MANE Select); coding-DNA position 1149, T replaced by C.
Protein change: p.Pro383=; no amino-acid change (proline 383 retained).
Molecular consequence: synonymous variant.
Genome position (GRCh38, 1-based): chr11:108,249,016, T>C. VCF-style: chr11-108249016-T-C. GRCh37 (hg19) VCF-style: chr11-108119743-T-C.
Other names: c.1149T>C, p.Pro383= (NM_001351834.2).
Identifiers: ClinVar variation 184335 (VCV000184335.15), dbSNP rs786201409, ClinGen allele CA188648.

ClinVar aggregate classification (germline): Benign/Likely benign. Review status: criteria provided, multiple submitters, no conflicts (2 of 4 stars). 4 submissions from 4 submitters: Benign (1); Likely benign (3). Last evaluated 2024-10-06.

Conditions:
Hereditary cancer-predisposing syndrome. Also called: Tumor predisposition; Hereditary Cancer Syndrome; Hereditary neoplastic syndrome; Neoplastic Syndromes, Hereditary. Identifiers: Orphanet 140162, MedGen C0027672, MeSH D009386, MONDO:0015356.
Familial cancer of breast. Also called: BREAST CANCER, FAMILIAL; hereditary breast carcinoma; Hereditary breast cancer. Identifiers: Orphanet 227535, MedGen C0346153, MONDO:0016419, OMIM 114480. Disease mechanism: loss of function.
Ataxia-telangiectasia syndrome (AT). Also called: LOUIS-BAR SYNDROME; Cerebello-oculocutaneous telangiectasia; Immunodeficiency with ataxia telangiectasia; ATAXIA-TELANGIECTASIA, COMPLEMENTATION GROUP A; ATAXIA-TELANGIECTASIA, FRESNO VARIANT; Ataxia-telangiectasia. Identifiers: Orphanet 100, MedGen C0004135, MONDO:0008840, OMIM 208900.

Submissions (4):

Labcorp Genetics (formerly Invitae), Labcorp
Classification: Likely benign for Ataxia-telangiectasia syndrome. Last evaluated: 2024-10-06. Review status: criteria provided, single submitter. Criteria: Invitae Variant Classification Sherloc (09022015). Collection method: clinical testing. Allele origin: germline.

Myriad Genetics, Inc.
Classification: Benign for Familial cancer of breast. Last evaluated: 2024-04-25. Review status: criteria provided, single submitter. Criteria: Myriad Autosomal Dominant, Autosomal Recessive and X-Linked Classification Criteria (2023). Collection method: clinical testing. Allele origin: unknown.
Comment: This variant is considered benign. This variant is a silent/synonymous amino acid change and it is not expected to impact splicing.

Color Diagnostics, LLC DBA Color Health
Classification: Likely benign for Hereditary cancer-predisposing syndrome. Last evaluated: 2021-03-08. Review status: criteria provided, single submitter. Criteria: ACMG Guidelines, 2015. Collection method: clinical testing. Allele origin: germline.

Ambry Genetics
Classification: Likely benign for Hereditary cancer-predisposing syndrome. Last evaluated: 2016-04-12. Review status: criteria provided, single submitter. Criteria: Ambry Variant Classification Scheme 2023. Collection method: clinical testing. Allele origin: germline.